The following is an entry in ClinVar:

ClinVar aggregate classification (germline): Likely benign (1 of 4 stars; one submission).

Submission:

CeGaT Center for Human Genetics Tuebingen
Classification: Likely benign. Last evaluated: 2025-11-01. Review status: criteria provided, single submitter. Criteria: CeGaT Center For Human Genetics Tuebingen Variant Classification Criteria Version 2. Collection method: clinical testing. Allele origin: germline. Affected: yes. Observed: 1 variant allele.
Comment: EIF2AK4: PM2:Supporting, BP4, BP7

NM_001013703.4(EIF2AK4):c.990A>G (p.Lys330=)

Gene: EIF2AK4 (eukaryotic translation initiation factor 2 alpha kinase 4; plus strand). Cytogenetic location: 15q15.1.
Variant type: single nucleotide variant.
Coding change: c.990A>G on transcript NM_001013703.4 (MANE Select); coding-DNA position 990, A replaced by G.
Protein change: p.Lys330=; no amino-acid change (lysine 330 retained).
Molecular consequence: synonymous variant.
Genome position (GRCh38, 1-based): chr15:39,965,816, A>G. VCF-style: chr15-39965816-A-G. GRCh37 (hg19) VCF-style: chr15-40258017-A-G.
Identifiers: ClinVar variation 4534241 (VCV004534241.6).